The following is an entry in ClinVar:

ClinVar aggregate classification (germline): Uncertain significance (1 of 4 stars; one submission).

Conditions:
Spermatogenic failure 28. Identifiers: MedGen C4748117, MONDO:0054732, OMIM 618086.

Submission:

OLLIN Analises Genomicas, OLLIN
Classification: Uncertain significance for Spermatogenic failure 28. Last evaluated: 2026-08-06. Review status: criteria provided, single submitter. Criteria: ACMG Guidelines 2015 PMID 25741868. Collection method: clinical testing. Allele origin: germline. Inheritance: Autosomal recessive inheritance.
Comment: This missense variant, located in exon 14 (of 23), is absent from gnomAD and ClinVar and has not been identified in the literature. In silico analysis predicts that this variant has a tolerated effect. According to the currently available evidence, this variant has been classified as uncertain significance (PM2_P, BP4_M).

NM_020937.4(FANCM):c.2819A>G (p.Asn940Ser)

Gene: FANCM (FA complementation group M; plus strand). Cytogenetic location: 14q21.2.
Variant type: single nucleotide variant.
Coding change: c.2819A>G on transcript NM_020937.4 (MANE Select); coding-DNA position 2819, A replaced by G.
Protein change: p.Asn940Ser; replaces asparagine 940 with serine.
Molecular consequence: missense variant.
Genome position (GRCh38, 1-based): chr14:45,175,573, A>G. VCF-style: chr14-45175573-A-G. GRCh37 (hg19) VCF-style: chr14-45644776-A-G.
Other names: c.2741A>G, p.Asn914Ser (NM_001308133.2); short protein forms N940S, N914S.
Identifiers: ClinVar variation 5002691 (VCV005002691.1).